The following is an entry in ClinVar:

NM_006073.4(TRDN):c.502G>T (p.Glu168Ter)

Gene: TRDN (triadin; minus strand). Cytogenetic location: 6q22.31.
Variant type: single nucleotide variant.
Coding change: c.502G>T on transcript NM_006073.4 (MANE Select); coding-DNA position 502, G replaced by T.
Protein change: p.Glu168Ter; replaces glutamic acid 168 with a stop codon.
Molecular consequence: nonsense.
Genome position (GRCh38, 1-based): chr6:123,516,189, C>A on the plus strand (G>T on the coding strand, the complement: TRDN is on the minus strand). VCF-style: chr6-123516189-C-A. GRCh37 (hg19) VCF-style: chr6-123837334-C-A.
Other names: c.502G>T (NM_006073.2); c.502G>T, p.Glu168Ter (NM_001256021.2, NM_001251987.2, NM_001256020.2); short protein forms E168*.
Identifiers: ClinVar variation 838068 (VCV000838068.17), dbSNP rs545032318, ClinGen allele CA365568282.

ClinVar aggregate classification (germline): Pathogenic/Likely pathogenic. Review status: criteria provided, multiple submitters, no conflicts (2 of 4 stars). 4 submissions from 4 submitters: Pathogenic (2); Likely pathogenic (1). 1 of the submissions does not count toward it. Last evaluated 2024-09-10.

Conditions:
Cardiovascular phenotype. Identifiers: MedGen CN230736.
Catecholaminergic polymorphic ventricular tachycardia 5 (CARDAR). Also called: Ventricular tachycardia, catecholaminergic polymorphic, 5, with or without muscle weakness; CARDIAC ARRHYTHMIA SYNDROME, WITH OR WITHOUT SKELETAL MUSCLE WEAKNESS. Identifiers: Orphanet 3286, MedGen C3809536, MONDO:0014191, OMIM 615441.
Catecholaminergic polymorphic ventricular tachycardia 1. Also called: VENTRICULAR TACHYCARDIA, CATECHOLAMINERGIC POLYMORPHIC, 1, WITH OR WITHOUT ATRIAL DYSFUNCTION AND/OR DILATED CARDIOMYOPATHY; RYR2-Related Catecholaminergic Polymorphic Ventricular Tachycardia; VENTRICULAR TACHYCARDIA, STRESS-INDUCED POLYMORPHIC 1. Identifiers: Orphanet 3286, MedGen C1631597, MONDO:0011484, OMIM 604772.

gnomAD v4.1: 27 of 1,482,758 alleles (0.0018%); highest among the groups gnomAD compares: Non-Finnish European, 0.0024%; no homozygotes.

Submissions (4):

Labcorp Genetics (formerly Invitae), Labcorp
Classification: Pathogenic for Catecholaminergic polymorphic ventricular tachycardia 1. Last evaluated: 2024-09-10. Review status: criteria provided, single submitter. Criteria: Invitae Variant Classification Sherloc (09022015). Collection method: clinical testing. Allele origin: germline.
Comment: This sequence change creates a premature translational stop signal (p.Glu168*) in the TRDN gene. It is expected to result in an absent or disrupted protein product. Loss-of-function variants in TRDN are known to be pathogenic (PMID: 22422768, 25922419, 26200674, 30649896). This variant is not present in population databases (gnomAD no frequency). This premature translational stop signal has been observed in individual(s) with TRDN-related conditions (PMID: 26768964). ClinVar contains an entry for this variant (Variation ID: 838068). For these reasons, this variant has been classified as Pathogenic.

Ambry Genetics
Classification: Pathogenic for Cardiovascular phenotype. Last evaluated: 2023-09-26. Review status: criteria provided, single submitter. Criteria: Ambry Variant Classification Scheme 2023. Collection method: clinical testing. Allele origin: germline.
Comment: The p.E168* pathogenic mutation (also known as c.502G>T), located in coding exon 6 of the TRDN gene, results from a G to T substitution at nucleotide position 502. This changes the amino acid from a glutamic acid to a stop codon within coding exon 6. This variant has co-occurred in trans with a second TRDN pathogenic variant in siblings with sudden cardiac arrest in childhood, ventricular fibrillation, prolonged or borderline QTc interval and/or bidirectional ventricular tachycardia (Walsh MA et al. Pacing Clin Electrophysiol, 2016 May;39:497-501). This variant is considered to be rare based on population cohorts in the Genome Aggregation Database (gnomAD). In addition to the clinical data presented in the literature, this alteration is expected to result in loss of function by premature protein truncation or nonsense-mediated mRNA decay. As such, this alteration is interpreted as a disease-causing mutation.

Women's Health and Genetics/Laboratory Corporation of America, LabCorp
Classification: Likely pathogenic for Catecholaminergic polymorphic ventricular tachycardia 1. Last evaluated: 2023-02-15. Review status: criteria provided, single submitter. Criteria: LabCorp Variant Classification Summary - May 2015. Collection method: clinical testing. Allele origin: germline.
Comment: Variant summary: TRDN c.502G>T (p.Glu168X) results in a premature termination codon, predicted to cause a truncation of the encoded protein or absence of the protein due to nonsense mediated decay, which are commonly known mechanisms for disease. Truncations downstream of this position have been classified as pathogenic within ClinVar (e.g. c.531del [p.Glu178fs], c.541G>T [p.Glu181Ter]). The variant was absent in 140800 control chromosomes (gnomAD). c.502G>T has been reported in the literature in compound heterozygous individuals affected with Cardiac Arrest and Ventricular Febrillation (Walsh_2016). These data indicate that the variant may be associated with disease. To our knowledge, no experimental evidence demonstrating an impact on protein function has been reported. Two ClinVar submitters have assessed the variant since 2014: both classifid the variant as pathogenic. Based on the evidence outlined above, the variant was classified as likely pathogenic.

OMIM
Classification: Pathogenic for CARDIAC ARRHYTHMIA SYNDROME WITH OR WITHOUT SKELETAL MUSCLE WEAKNESS. Last evaluated: 2021-09-16. Review status: no assertion criteria provided. Collection method: literature only. Allele origin: germline. Not counted in ClinVar's aggregate classification.

Literature cited by the submitters: PubMed 22422768 (cited by Labcorp Genetics (formerly Invitae), Labcorp); PubMed 25922419 (cited by Labcorp Genetics (formerly Invitae), Labcorp); PubMed 26200674 (cited by Labcorp Genetics (formerly Invitae), Labcorp); PubMed 30649896 (cited by Labcorp Genetics (formerly Invitae), Labcorp); PubMed 26768964 (cited by 4 submitters).